The following is an entry in ClinVar:

NM_000077.5(CDKN2A):c.61G>T (p.Ala21Ser)

Gene: CDKN2A (cyclin dependent kinase inhibitor 2A; minus strand). Cytogenetic location: 9p21.3.
Variant type: single nucleotide variant.
Coding change: c.61G>T on transcript NM_000077.5; coding-DNA position 61, G replaced by T.
Protein change: p.Ala21Ser; replaces alanine 21 with serine.
Molecular consequence: missense variant (on NM_000077.6). On other transcripts: intron variant (2).
Genome position (GRCh38, 1-based): chr9:21,974,767, C>A on the plus strand (G>T on the coding strand, the complement: CDKN2A is on the minus strand). VCF-style: chr9-21974767-C-A. GRCh37 (hg19) VCF-style: chr9-21974766-C-A.
Other names: c.61G>T, p.Ala21Ser (NM_000077.6, NM_001195132.2, NM_058197.5); c.-3-3559G>T (NM_001363763.2); c.194-3559G>T (NM_058195.4); short protein forms A21S.
Identifiers: ClinVar variation 928884 (VCV000928884.6), dbSNP rs1064793082, ClinGen allele CA373086630.

ClinVar aggregate classification (germline): Uncertain significance. Review status: criteria provided, multiple submitters, no conflicts (2 of 4 stars). 3 submissions from 3 submitters: Uncertain significance (3). Last evaluated 2025-01-24.

Conditions:
Hereditary cancer-predisposing syndrome. Also called: Hereditary neoplastic syndrome; Hereditary Cancer Syndrome; Neoplastic Syndromes, Hereditary; Tumor predisposition. Identifiers: Orphanet 140162, MedGen C0027672, MeSH D009386, MONDO:0015356.
Familial melanoma. Also called: Hereditary melanoma; Hereditary cutaneous melanoma. Identifiers: Orphanet 618, MedGen C1512419, MONDO:0018961.

Allele frequency attached by ClinVar (database versions not stated): TOPMed below 0.00001.

Submissions (3):

Ambry Genetics
Classification: Uncertain significance for Hereditary cancer-predisposing syndrome. Last evaluated: 2025-01-24. Review status: criteria provided, single submitter. Criteria: Ambry Variant Classification Scheme 2023. Collection method: clinical testing. Allele origin: germline.
Comment: The p.A21S variant (also known as c.61G>T), located in coding exon 1 of the CDKN2A gene, results from a G to T substitution at nucleotide position 61. The alanine at codon 21 is replaced by serine, an amino acid with similar properties. This amino acid position is highly conserved in available vertebrate species. In addition, the in silico prediction for this alteration is inconclusive. Based on the available evidence, the clinical significance of this variant remains unclear.

Labcorp Genetics (formerly Invitae), Labcorp
Classification: Uncertain significance for Familial melanoma. Last evaluated: 2024-10-22. Review status: criteria provided, single submitter. Criteria: Invitae Variant Classification Sherloc (09022015). Collection method: clinical testing. Allele origin: germline.
Comment: This sequence change replaces alanine, which is neutral and non-polar, with serine, which is neutral and polar, at codon 21 of the CDKN2A (p16INK4a) protein (p.Ala21Ser). This variant is not present in population databases (gnomAD no frequency). This variant has not been reported in the literature in individuals affected with CDKN2A (p16INK4a)-related conditions. ClinVar contains an entry for this variant (Variation ID: 928884). An algorithm developed to predict the effect of missense changes on protein structure and function (PolyPhen-2) suggests that this variant is likely to be disruptive. In summary, the available evidence is currently insufficient to determine the role of this variant in disease. Therefore, it has been classified as a Variant of Uncertain Significance.

Women's Health and Genetics/Laboratory Corporation of America, LabCorp
Classification: Uncertain significance. Last evaluated: 2019-07-26. Review status: criteria provided, single submitter. Criteria: LabCorp Variant Classification Summary - May 2015. Collection method: clinical testing. Allele origin: germline.
Comment: Variant summary: CDKN2A c.61G>T (p.Ala21Ser) results in a conservative amino acid change located in the Ankyrin repeat-containing domain (IPR020683) of the encoded protein sequence. Three of five in-silico tools predict a benign effect of the variant on protein function. The variant was absent in 233082 control chromosomes (gnomAD). The available data on variant occurrences in the general population are insufficient to allow any conclusion about variant significance. To our knowledge, no occurrence of c.61G>T in individuals affected with Cutaneous Malignant Melanoma and no experimental evidence demonstrating its impact on protein function have been reported. A co-occurrence with a pathogenic variant has been reported (SMAD4 c.1245_1248delCAGA , p.Asp415fsX20; LabCorp). No clinical diagnostic laboratories have submitted clinical-significance assessments for this variant to ClinVar after 2014. Based on the evidence outlined above, the variant was classified as uncertain significance.